The following is an entry in ClinVar:

ClinVar aggregate classification (germline): Likely pathogenic (1 of 4 stars; one submission).

Conditions:
Brain-lung-thyroid syndrome. Also called: CHOREOATHETOSIS AND CONGENITAL HYPOTHYROIDISM WITH PULMONARY DYSFUNCTION; Choreoathetosis, Congenital Hypothyroidism, and Neonatal Respiratory Distress Syndrome (Brain-Lung-Thyroid Syndrome); Choreoathetosis, congenital hypothyroidism, and neonatal respiratory distress. Identifiers: Orphanet 209905, MedGen C1970269, MONDO:0012593, OMIM 610978.

Submission:

Johns Hopkins Genomics, Johns Hopkins University
Classification: Likely pathogenic for Brain-lung-thyroid syndrome. Last evaluated: 2019-03-25. Review status: criteria provided, single submitter. Criteria: ACMG Guidelines, 2015. Collection method: clinical testing. Allele origin: germline.
Comment: This frameshift variant is predicted to lead to a new stop codon that is downstream of the native stop codon. The resulting transcript is not expected to undergo nonsense-mediated decay and likely results in an extended protein product (125 novel C-terminal amino acids replacing the last 89 amino acids of NKX2-1). The glutamine rich region, predicted to be missing from the resulting protein, has an important role in NKX2-1 transactivation. This NKX2-1 variant is absent* from large population datasets and has not been reported in ClinVar nor the literature, to our knowledge. This variant is considered likely pathogenic.

NM_001079668.3(NKX2-1):c.935dup (p.Gln313fs)

Genes: NKX2-1 (NK2 homeobox 1; minus strand), SFTA3 (surfactant associated 3; minus strand). Cytogenetic location: 14q13.3.
Variant type: Duplication.
Coding change: c.935dup on transcript NM_001079668.3 (MANE Select); coding-DNA position 935, one base duplicated (T; older notation c.935dupT).
Protein change: p.Gln313fs; shifts the reading frame from glutamine 313.
Molecular consequence: frameshift variant.
Genome position (GRCh38, 1-based): chr14:36,517,549, A duplicated on the plus strand (T on the coding strand, the reverse complement: NKX2-1 is on the minus strand). VCF-style (leftmost placement, unchanged base first): chr14-36517548-T-TA. GRCh37 (hg19) VCF-style: chr14-36986753-T-TA.
Other names: c.935dupT (NM_001079668.2); c.845dup, p.Gln283fs (NM_003317.4); short protein forms Q313fs, Q283fs.
Identifiers: ClinVar variation 635563 (VCV000635563.1), dbSNP rs1594403511, ClinGen allele CA913190431.